The following is an entry in ClinVar:

NM_003803.4(MYOM1):c.1489G>A (p.Val497Ile)

Gene: MYOM1 (myomesin 1; minus strand). Cytogenetic location: 18p11.31.
Variant type: single nucleotide variant.
Coding change: c.1489G>A on transcript NM_003803.4 (MANE Select); coding-DNA position 1489, G replaced by A.
Protein change: p.Val497Ile; replaces valine 497 with isoleucine.
Molecular consequence: missense variant.
Genome position (GRCh38, 1-based): chr18:3,164,290, C>T on the plus strand (G>A on the coding strand, the complement: MYOM1 is on the minus strand). VCF-style: chr18-3164290-C-T. GRCh37 (hg19) VCF-style: chr18-3164288-C-T.
Other names: c.1489G>A, p.Val497Ile (NM_019856.2); short protein forms V497I.
Identifiers: ClinVar variation 1410269 (VCV001410269.11), dbSNP rs1188358300, ClinGen allele CA401714764.

ClinVar aggregate classification (germline): Uncertain significance. Review status: criteria provided, multiple submitters, no conflicts (2 of 4 stars). 2 submissions from 2 submitters: Uncertain significance (2). Last evaluated 2025-10-11.

Conditions:
Hypertrophic cardiomyopathy. Also called: HYPERTROPHIC MYOCARDIOPATHY. Identifiers: Orphanet 217569, MedGen C0007194, MeSH D002312, MONDO:0005045, HP:0001639.

Allele frequency attached by ClinVar (database versions not stated): gnomAD exomes below 0.00001; TOPMed below 0.00001; gnomAD 0.00001.
gnomAD v4.1: 4 of 1,612,758 alleles (0.00025%); highest among the groups gnomAD compares: South Asian, 0.0011%; no homozygotes.

Submissions (2):

Ambry Genetics
Classification: Uncertain significance. Last evaluated: 2025-10-11. Review status: criteria provided, single submitter. Criteria: Ambry Variant Classification Scheme 2023. Collection method: clinical testing. Allele origin: germline.
Comment: The p.V497I variant (also known as c.1489G>A), located in coding exon 9 of the MYOM1 gene, results from a G to A substitution at nucleotide position 1489. The valine at codon 497 is replaced by isoleucine, an amino acid with highly similar properties. This amino acid position is conserved. In addition, the in silico prediction for this alteration is inconclusive. Since supporting evidence is limited at this time, the clinical significance of this alteration remains unclear.

Labcorp Genetics (formerly Invitae), Labcorp
Classification: Uncertain significance for Hypertrophic cardiomyopathy. Last evaluated: 2025-09-08. Review status: criteria provided, single submitter. Criteria: Invitae Variant Classification Sherloc (09022015). Collection method: clinical testing. Allele origin: germline.
Comment: This sequence change replaces valine, which is neutral and non-polar, with isoleucine, which is neutral and non-polar, at codon 497 of the MYOM1 protein (p.Val497Ile). This variant is not present in population databases (gnomAD no frequency). This variant has not been reported in the literature in individuals affected with MYOM1-related conditions. ClinVar contains an entry for this variant (Variation ID: 1410269). Invitae Evidence Modeling of protein sequence and biophysical properties (such as structural, functional, and spatial information, amino acid conservation, physicochemical variation, residue mobility, and thermodynamic stability) has been performed for this missense variant. However, the output from this modeling did not meet the statistical confidence thresholds required to predict the impact of this variant on MYOM1 protein function. In summary, the available evidence is currently insufficient to determine the role of this variant in disease. Therefore, it has been classified as a Variant of Uncertain Significance.